The following is an entry in ClinVar:

GRCh38/hg38 Xp21.2(chrX:30044474-30321210)x2

Genes: MAGEB1 (MAGE family member B1; plus strand), MAGEB2 (MAGE family member B2; plus strand), MAGEB3 (MAGE family member B3; plus strand), MAGEB4 (MAGE family member B4; plus strand), NR0B1 (nuclear receptor subfamily 0 group B member 1; minus strand) and 5 more. Cytogenetic location: Xp21.2.
Variant type: copy number gain.
Change: copy number 2 of chrX:30,044,474-30,321,210 (276.7 kb, GRCh38 coordinates, 1-based), cytogenetic band Xp21.2.
Identifiers: ClinVar variation 5038310 (VCV005038310.1).

ClinVar aggregate classification (germline): Pathogenic (1 of 4 stars; one submission).

Submission:

Clinical Genomics Laboratory, Laboratory for Precision Diagnostics, University of Washington
Classification: Pathogenic. Last evaluated: 2025-09-16. Review status: criteria provided, single submitter. Criteria: ACMG/ClinGen CNV Guidelines, 2019. Collection method: clinical testing. Allele origin: maternal. Affected: yes. Observed: 1 variant allele.
Comment: This interstitial duplication is approximately 277 kb in size and contains 5 protein-coding genes: MAGEB2, MAGEB3, MAGEB4, MAGEB1, and NR0B1. Duplications of the MAGEB gene cluster and NR0B1 have been found in multiple people with XY sex chromosomes who have differences in sex development, ranging from typical female genitalia to atypical genitalia (see References). There is also a recent report of similar duplications including NR0B1 and MAGEB1-4 detected in people with XY sex chromosomes who have more typical male genitalia (PMID: 38200083). This suggests that the effect of the duplication may vary more than previously thought. Duplication of this region appears to have no effect in people with XX sex chromosomes. Inheritance from carrier mothers and gonadal mosaicism have both been reported.

Literature cited by the submitters: PubMed 22518125; PubMed 30879272; PubMed 38200083.